The following is an entry in ClinVar:

NM_018082.6(POLR3B):c.3278A>G (p.His1093Arg)

Genes: POLR3B (RNA polymerase III subunit B; plus strand), RFX4-AS1 (RFX4 antisense RNA 1; minus strand). Cytogenetic location: 12q23.3.
Variant type: single nucleotide variant.
Coding change: c.3278A>G on transcript NM_018082.6 (MANE Select); coding-DNA position 3278, A replaced by G.
Protein change: p.His1093Arg; replaces histidine 1093 with arginine.
Molecular consequence: missense variant.
Genome position (GRCh38, 1-based): chr12:106,509,425, A>G. VCF-style: chr12-106509425-A-G. GRCh37 (hg19) VCF-style: chr12-106903203-A-G.
Other names: c.3104A>G, p.His1035Arg (NM_001160708.2); short protein forms H1093R, H1035R.
Identifiers: ClinVar variation 1482170 (VCV001482170.8), dbSNP rs1177471548, ClinGen allele CA386394516.
Genomic context (GRCh38, chr12:106,509,425, plus strand): 5'-GAGGCCTTTGTTTCCGAGTTGCTGTCTGTCTAACGCTTGCTGACTTGCGTTTCAGGTGCC[A>G]TTACTGCAAGTCATCCTGCCACGTGTCTTCCCTCCGTATTCCGTATGCCTGCAAGCTGCT-3'
Protein context (NP_060552.4, residues 1083-1103): CGLLGYSGWC[His1093Arg]YCKSSCHVSS

ClinVar aggregate classification (germline): Uncertain significance (1 of 4 stars; one submission).

Allele frequency attached by ClinVar (database versions not stated): gnomAD exomes below 0.00001.
gnomAD v4.1: 1 of 1,613,752 alleles (0.000062%); highest among the groups gnomAD compares: Non-Finnish European, 0.000085%; no homozygotes.

Submission:

Labcorp Genetics (formerly Invitae), Labcorp
Classification: Uncertain significance. Last evaluated: 2022-10-17. Review status: criteria provided, single submitter. Criteria: Invitae Variant Classification Sherloc (09022015). Collection method: clinical testing. Allele origin: germline.
Comment: This sequence change replaces histidine, which is basic and polar, with arginine, which is basic and polar, at codon 1093 of the POLR3B protein (p.His1093Arg). This variant is not present in population databases (gnomAD no frequency). This variant has not been reported in the literature in individuals affected with POLR3B-related conditions. ClinVar contains an entry for this variant (Variation ID: 1482170). Advanced modeling of protein sequence and biophysical properties (such as structural, functional, and spatial information, amino acid conservation, physicochemical variation, residue mobility, and thermodynamic stability) performed at Invitae indicates that this missense variant is not expected to disrupt POLR3B protein function. In summary, the available evidence is currently insufficient to determine the role of this variant in disease. Therefore, it has been classified as a Variant of Uncertain Significance.